The following is an entry in ClinVar:

ClinVar aggregate classification (germline): Uncertain significance (1 of 4 stars; one submission).

Conditions:
Joubert syndrome 25 (JBTS25). Identifiers: Orphanet 475, MedGen C4084842, MONDO:0014770, OMIM 616781.

Allele frequency attached by ClinVar (database versions not stated): gnomAD 0.00001; ExAC 0.00003; gnomAD exomes 0.00003; TOPMed 0.00003.
gnomAD v4.1: 32 of 1,609,556 alleles (0.002%); highest among the groups gnomAD compares: Admixed American, 0.015%; no homozygotes.

Submission:

Labcorp Genetics (formerly Invitae), Labcorp
Classification: Uncertain significance for Joubert syndrome 25. Last evaluated: 2022-06-27. Review status: criteria provided, single submitter. Criteria: Invitae Variant Classification Sherloc (09022015). Collection method: clinical testing. Allele origin: germline.
Comment: In summary, the available evidence is currently insufficient to determine the role of this variant in disease. Therefore, it has been classified as a Variant of Uncertain Significance. Algorithms developed to predict the effect of missense changes on protein structure and function are either unavailable or do not agree on the potential impact of this missense change (SIFT: "Tolerated"; PolyPhen-2: "Probably Damaging"; Align-GVGD: "Class C0"). This variant has not been reported in the literature in individuals affected with CEP104-related conditions. This variant is present in population databases (rs757425751, gnomAD 0.02%). This sequence change replaces isoleucine, which is neutral and non-polar, with methionine, which is neutral and non-polar, at codon 151 of the CEP104 protein (p.Ile151Met).

NM_014704.4(CEP104):c.453T>G (p.Ile151Met)

Gene: CEP104 (centrosomal protein 104; minus strand). Cytogenetic location: 1p36.32.
Variant type: single nucleotide variant.
Coding change: c.453T>G on transcript NM_014704.4 (MANE Select); coding-DNA position 453, T replaced by G.
Protein change: p.Ile151Met; replaces isoleucine 151 with methionine.
Molecular consequence: missense variant.
Genome position (GRCh38, 1-based): chr1:3,845,325, A>C on the plus strand (T>G on the coding strand, the complement: CEP104 is on the minus strand). VCF-style: chr1-3845325-A-C. GRCh37 (hg19) VCF-style: chr1-3761889-A-C.
Other names: short protein forms I151M.
Identifiers: ClinVar variation 1475452 (VCV001475452.8), dbSNP rs757425751, ClinGen allele CA551967.
Genomic context (GRCh38, chr1:3,845,325, plus strand): 5'-GGAATTAAAACTTTCCAAACTTACAGTATTGCTTTCATCACTGAAATCTGCAGGGTCTCC[A>C]ATGATATTTATGGCAACCAAAGCAACCTAAGAAAGTGTTAAAATAACAGAATTAAATATA-3'
Protein context (NP_055519.1, residues 141-161): NQVALVAINI[Ile151Met]GDPADFSDES